The following is an entry in ClinVar:

NM_173598.6(KSR2):c.986+5G>A

Gene: KSR2 (kinase suppressor of ras 2; minus strand). Cytogenetic location: 12q24.23.
Variant type: single nucleotide variant.
Coding change: c.986+5G>A on transcript NM_173598.6 (MANE Select); 5 bases into the intron after coding-DNA position 986, G replaced by A.
Molecular consequence: intron variant.
Genome position (GRCh38, 1-based): chr12:117,761,006, C>T on the plus strand (G>A on the coding strand, the complement: KSR2 is on the minus strand). VCF-style: chr12-117761006-C-T. GRCh37 (hg19) VCF-style: chr12-118198811-C-T.
Identifiers: ClinVar variation 4982682 (VCV004982682.1).

ClinVar aggregate classification (germline): Uncertain significance (1 of 4 stars; one submission).

Conditions:
KSR2-related disorder. Also called: KSR2-related condition.

Submission:

PreventionGenetics, part of Exact Sciences
Classification: Uncertain significance for KSR2-related condition. Last evaluated: 2024-12-23. Review status: criteria provided, single submitter. Criteria: ACMG Guidelines, 2015. Collection method: clinical testing. Allele origin: germline.
Comment: The KSR2 c.899+5G>A variant is predicted to interfere with splicing. This variant is predicted to decrease the strength of the canonical splice donor site (SpliceAI, Jaganathan et al. 2019. PubMed ID: 30661751). To our knowledge, this variant has not been reported in the literature or in a large population database indicating this variant is rare. At this time, the clinical significance of this variant is uncertain due to the absence of conclusive functional and genetic evidence.